The following continues an entry in ClinVar:

NM_000552.5(VWF):c.4195C>T (p.Arg1399Cys)

Gene: VWF. ClinVar aggregate classification (germline): Pathogenic. Pathogenic (1).

Submissions 8 to 15 of 15:

Quest Diagnostics Nichols Institute San Juan Capistrano
Classification: Likely pathogenic. Last evaluated: 2022-01-25. Review status: criteria provided, single submitter. Criteria: Quest Diagnostics criteria. Collection method: clinical testing. Allele origin: unknown. Not counted in ClinVar's aggregate classification.
Comment: The frequency of this variant in the general population, 0.000081 (2/24742 chromosomes), is uninformative in assessment of its pathogenicity. In the published literature, the variant has been reported in the variant has been reported in individuals with VWD Type 2M (PMIDs: 31064749, (2019), 26988807 (2016), and 17000885 (2006)). In a functional study, this variant was associated with decreased ristocin cofactor activity, which affected disulphide bonding of the VWF dimers and resulted in a smeared appearance of the multimer (PMID: 28083987 (2017)). Analysis of this variant using bioinformatics tools for the prediction of the effect of amino acid changes on protein structure and function yielded predictions that this variant is damaging. Based on the available information, this variant is classified as likely pathogenic.

Rady Children's Institute for Genomic Medicine, Rady Children's Hospital San Diego
Classification: Likely pathogenic for Von Willebrand Disease. Last evaluated: 2020-04-27. Review status: criteria provided, single submitter. Criteria: ACMG Guidelines, 2015. Collection method: clinical testing. Allele origin: germline. Affected: yes. Not counted in ClinVar's aggregate classification.
Comment: This variant has been previously reported as a heterozygous change in patients with Type 2M Von Willebrand disease (VWD2M, PMID: 170008851, 26988807, 31064749). It has also been seen together with other variants in the same gene in patients with Type 2U Von Willebrand disease (PMID: 19506359, 28083987). Functional characterization of the p.Arg1399Cys variant indicated normal VWF antigen level (VWF:Ag), mildy reduced ristocetin cofactor activity (VWF:RCo) resulting in a smeared appearance of the multimer (no clear separation between individual oligomer triplets), and significantly reduced VWF collagen type VI binding (VWF:CVIB) (PMID: 28083987). ClinVar contains an entry for this variant (Variation ID: 100337). It is present in the heterozygous state in the gnomAD population database at a frequency of 0.003% (8/282104) and thus is presumed to be rare. In silico analyses support a deleterious effect of the c.4195C>T (p.Arg1399Cys) variant on protein function. Based on the available evidence, the c.4195C>T (p.Arg1399Cys) variant is classified as Likely Pathogenic.

NIHR Bioresource Rare Diseases, University of Cambridge
Classification: Likely pathogenic for von Willebrand disorder. Last evaluated: 2019-02-01. Review status: criteria provided, single submitter. Criteria: ACMG Guidelines, 2015. Collection method: research. Allele origin: unknown. Affected: yes. Observed: 1 compound heterozygote. Study: ThromboGenomics. Not counted in ClinVar's aggregate classification.

ISTH-SSC Genomics in Thrombosis and Hemostasis, KU Leuven, Center for Molecular and Vascular Biology
Classification: Likely pathogenic for von Willebrand disease type 2. Review status: criteria provided, single submitter. Criteria: ACMG Guidelines, 2015. Collection method: clinical testing. Allele origin: germline. Affected: yes. Observed: 1 heterozygote. Not counted in ClinVar's aggregate classification.
Comment: Submitted to GoldVariant by Kathleen Freson, Center for Molecular and Vascular Biology, Leuven, Belgium

Juno Genomics, Hangzhou Juno Genomics, Inc
Classification: Likely pathogenic for von Willebrand disease type 2. Review status: criteria provided, single submitter. Criteria: ACMG Guidelines, 2015. Collection method: clinical testing. Allele origin: germline. Not counted in ClinVar's aggregate classification.
Comment: Absent from controls (or at extremely low frequency if recessive) in Genome Aggregation Database.;Multiple lines of computational evidence support a deleterious effect on the gene or gene product.;The prevalence of the variant in affected individuals is significantly increased compared to the prevalence in controls.;Patient's phenotype or family history is highly specific for a disease with a single genetic etiology.

Angelo Bianchi Bonomi Hemophilia and Thrombosis Center, Fondazione IRCCS Ca Granda Ospedale Maggiore Policlinico
Classification: Likely pathogenic for von Willebrand disease type 2. Last evaluated: 2022-04-26. Review status: no assertion criteria provided. Collection method: clinical testing. Allele origin: germline. Affected: yes. Not counted in ClinVar's aggregate classification.

Academic Unit of Haematology, University of Sheffield
No classification provided. Review status: no classification provided. Collection method: not provided. Allele origin: not provided. Not counted in ClinVar's aggregate classification.

ISTH-SSC Genomics in Thrombosis and Hemostasis, KU Leuven, Center for Molecular and Vascular Biology
Classification: Likely pathogenic for von Willebrand disorder. Review status: no assertion criteria provided. Collection method: research. Allele origin: unknown. Affected: yes. Not counted in ClinVar's aggregate classification.
Comment: Submitted to GoldVariant by Dr Karyn Mégy from NIHR Bioresource - Cambridge University, UK

Literature cited by the submitters: PubMed 31064749 (cited by 5 submitters); PubMed 26986123 (cited by Women's Health and Genetics/Laboratory Corporation of America, LabCorp and Mayo Clinic Laboratories, Mayo Clinic); PubMed 26988807 (cited by 4 submitters); PubMed 19506361 (cited by Women's Health and Genetics/Laboratory Corporation of America, LabCorp); PubMed 34272389 (cited by Women's Health and Genetics/Laboratory Corporation of America, LabCorp and Laboratory for Molecular Medicine, Mass General Brigham Personalized Medicine); PubMed 34758185 (cited by 3 submitters); PubMed 36696193 (cited by Women's Health and Genetics/Laboratory Corporation of America, LabCorp and Mayo Clinic Laboratories, Mayo Clinic); PubMed 10777573 (cited by Mayo Clinic Laboratories, Mayo Clinic); PubMed 11154147 (cited by Mayo Clinic Laboratories, Mayo Clinic); PubMed 17000885 (cited by Mayo Clinic Laboratories, Mayo Clinic and Quest Diagnostics Nichols Institute San Juan Capistrano); PubMed 28083987 (cited by 3 submitters); PubMed 35452508 (cited by Mayo Clinic Laboratories, Mayo Clinic); PubMed 28536718 (cited by Quest Diagnostics Nichols Institute San Juan Capistrano).